The following is an entry in ClinVar:

NM_001943.5(DSG2):c.2497T>A (p.Phe833Ile)

Genes: DSG2-AS1 (DSG2 antisense RNA 1; minus strand), DSG2 (desmoglein 2; plus strand). Cytogenetic location: 18q12.1.
Variant type: single nucleotide variant.
Coding change: c.2497T>A on transcript NM_001943.5 (MANE Select); coding-DNA position 2497, T replaced by A.
Protein change: p.Phe833Ile; replaces phenylalanine 833 with isoleucine.
Molecular consequence: missense variant. On other transcripts: non-coding transcript variant (1).
Genome position (GRCh38, 1-based): chr18:31,545,883, T>A. VCF-style: chr18-31545883-T-A. GRCh37 (hg19) VCF-style: chr18-29125846-T-A.
Other names: short protein forms F833I.
Identifiers: ClinVar variation 1171271 (VCV001171271.6), dbSNP rs764461485, ClinGen allele CA046218.

ClinVar aggregate classification (germline): Uncertain significance. Review status: criteria provided, multiple submitters, no conflicts (2 of 4 stars). 3 submissions from 3 submitters: Uncertain significance (3). Last evaluated 2024-09-23.

Conditions:
Arrhythmogenic right ventricular dysplasia 10. Also called: Arrhythmogenic Right Ventricular Dysplasia/Cardiomyopathy10; ARRHYTHMOGENIC RIGHT VENTRICULAR DYSPLASIA, FAMILIAL, 10; Arrhythmogenic right ventricular dysplasia/cardiomyopathy, type 10. Identifiers: MedGen C1857777, MONDO:0012434, OMIM 610193.
Arrhythmogenic right ventricular cardiomyopathy (ARVD). Also called: Cardiomyopathy, ARVC; Arrhythmogenic right ventricular dysplasia; Arrhythmogenic cardiomyopathy; Arrhythmogenic Right Ventricular Cardiomyopathy (ARVC). Identifiers: Orphanet 247, MedGen C0349788, MeSH D019571, MONDO:0016587. Disease mechanism: loss of function. Inheritance: Various modes of inheritance.
Cardiomyopathy (CMYO). Also called: Cardiomyopathies. Identifiers: Orphanet 167848, MedGen C0878544, MONDO:0004994, HP:0001638. Inheritance: Various modes of inheritance.

Allele frequency attached by ClinVar (database versions not stated): gnomAD exomes below 0.00001 and 0.00001; ExAC 0.00001; gnomAD 0.00001.

Submissions (3):

Color Diagnostics, LLC DBA Color Health
Classification: Uncertain significance for Cardiomyopathy. Last evaluated: 2024-09-23. Review status: criteria provided, single submitter. Criteria: ACMG Guidelines, 2015. Collection method: clinical testing. Allele origin: germline.
Comment: This missense variant replaces phenylalanine with isoleucine at codon 833 of the DSG2 protein. Computational prediction suggests that this variant may have deleterious impact on protein structure and function. To our knowledge, functional studies have not been reported for this variant. This variant has not been reported in individuals affected with cardiovascular disorders in the literature. This variant has been identified in 3/249274 chromosomes in the general population by the Genome Aggregation Database (gnomAD). The available evidence is insufficient to determine the role of this variant in disease conclusively. Therefore, this variant is classified as a Variant of Uncertain Significance.

Labcorp Genetics (formerly Invitae), Labcorp
Classification: Uncertain significance for Arrhythmogenic right ventricular dysplasia 10. Last evaluated: 2024-07-27. Review status: criteria provided, single submitter. Criteria: Invitae Variant Classification Sherloc (09022015). Collection method: clinical testing. Allele origin: germline.
Comment: This sequence change replaces phenylalanine, which is neutral and non-polar, with isoleucine, which is neutral and non-polar, at codon 833 of the DSG2 protein (p.Phe833Ile). This variant is present in population databases (rs764461485, gnomAD 0.01%). This variant has not been reported in the literature in individuals affected with DSG2-related conditions. ClinVar contains an entry for this variant (Variation ID: 1171271). Advanced modeling of protein sequence and biophysical properties (such as structural, functional, and spatial information, amino acid conservation, physicochemical variation, residue mobility, and thermodynamic stability) has been performed at Invitae for this missense variant, however the output from this modeling did not meet the statistical confidence thresholds required to predict the impact of this variant on DSG2 protein function. In summary, the available evidence is currently insufficient to determine the role of this variant in disease. Therefore, it has been classified as a Variant of Uncertain Significance.

All of Us Research Program, National Institutes of Health
Classification: Uncertain significance for Arrhythmogenic right ventricular cardiomyopathy. Last evaluated: 2024-01-11. Review status: criteria provided, single submitter. Criteria: ACMG Guidelines, 2015. Collection method: clinical testing. Allele origin: germline. Inheritance: Autosomal dominant inheritance. Observed: 1 variant allele, 1 heterozygote.
Comment: This missense variant replaces phenylalanine with isoleucine at codon 833 of the DSG2 protein. Computational prediction suggests that this variant may have deleterious impact on protein structure and function (internally defined REVEL score threshold >= 0.7, PMID: 27666373). To our knowledge, functional studies have not been reported for this variant. This variant has not been reported in individuals affected with cardiovascular disorders in the literature. This variant has been identified in 3/249274 chromosomes in the general population by the Genome Aggregation Database (gnomAD). The available evidence is insufficient to determine the role of this variant in disease conclusively. Therefore, this variant is classified as a Variant of Uncertain Significance.

This study involves interpretation of variants in research participants for the purpose of population health screening. Participant phenotype was not available at the time of variant classification. Additional details can be found in publication PMID: 35346344, PMCID: PMC8962531